The following is an entry in ClinVar:

NM_152564.5(VPS13B):c.78A>G (p.Leu26=)

Gene: VPS13B (vacuolar protein sorting 13 homolog B; plus strand). Cytogenetic location: 8q22.2.
Variant type: single nucleotide variant.
Coding change: c.78A>G on transcript NM_152564.5 (MANE Select); coding-DNA position 78, A replaced by G.
Protein change: p.Leu26=; no amino-acid change (leucine 26 retained).
Molecular consequence: synonymous variant. On other transcripts: non-coding transcript variant (1).
Genome position (GRCh38, 1-based): chr8:99,013,866, A>G. VCF-style: chr8-99013866-A-G. GRCh37 (hg19) VCF-style: chr8-100026094-A-G.
Other names: c.78A>G (NM_152564.4); c.78A>G, p.Leu26= (NM_015243.3, NM_017890.5, NM_181661.3).
Identifiers: ClinVar variation 374534 (VCV000374534.48), dbSNP rs745980143, ClinGen allele CA4822278.

ClinVar aggregate classification (germline): Conflicting classifications of pathogenicity. Review status: criteria provided, conflicting classifications (1 of 4 stars). 3 submissions from 3 submitters: Uncertain significance (1); Likely benign (1). 1 of the submissions does not count toward it. Last evaluated 2024-01-29.

Conditions:
VPS13B-related disorder. Also called: VPS13B-related condition.
Cohen syndrome (COH1). Also called: Cutis verticis gyrata, retinitis pigmentosa, and sensorineural deafness; PEPPER SYNDROME. Identifiers: Orphanet 193, MedGen C0265223, MONDO:0008999, OMIM 216550.

Allele frequency attached by ClinVar (database versions not stated): gnomAD exomes below 0.00001 and 0.00001; gnomAD 0.00001; ExAC 0.00002.
gnomAD v4.1: 15 of 1,614,092 alleles (0.00093%); highest among the groups gnomAD compares: Middle Eastern, 0.016%; no homozygotes.

Submissions (3):

Labcorp Genetics (formerly Invitae), Labcorp
Classification: Likely benign for Cohen syndrome. Last evaluated: 2024-01-29. Review status: criteria provided, single submitter. Criteria: Invitae Variant Classification Sherloc (09022015). Collection method: clinical testing. Allele origin: germline.

CeGaT Center for Human Genetics Tuebingen
Classification: Uncertain significance. Last evaluated: 2016-08-01. Review status: criteria provided, single submitter. Criteria: CeGaT Center For Human Genetics Tuebingen Variant Classification Criteria Version 2. Collection method: clinical testing. Allele origin: germline. Affected: yes. Observed: 1 variant allele.

PreventionGenetics, part of Exact Sciences
Classification: Likely benign for VPS13B-related condition. Last evaluated: 2024-04-16. Review status: no assertion criteria provided. Collection method: clinical testing. Allele origin: germline. Not counted in ClinVar's aggregate classification.
Comment: This variant is classified as likely benign based on ACMG/AMP sequence variant interpretation guidelines (Richards et al. 2015 PMID: 25741868, with internal and published modifications).